The following is an entry in ClinVar:

ClinVar aggregate classification (germline): Conflicting classifications of pathogenicity. Review status: criteria provided, conflicting classifications (1 of 4 stars). 2 submissions from 2 submitters: Uncertain significance (1); Likely benign (1). Last evaluated 2026-06-23.

Conditions:
Familial cancer of breast. Also called: Hereditary breast cancer; BREAST CANCER, FAMILIAL; hereditary breast carcinoma. Identifiers: Orphanet 227535, MedGen C0346153, MONDO:0016419, OMIM 114480. Disease mechanism: loss of function.
Fanconi anemia complementation group J. Also called: BRIP1-Related Fanconi Anemia. Identifiers: Orphanet 84, MedGen C1836860, MONDO:0012187, OMIM 609054.
Hereditary cancer-predisposing syndrome. Also called: Hereditary Cancer Syndrome; Tumor predisposition; Neoplastic Syndromes, Hereditary; Hereditary neoplastic syndrome. Identifiers: Orphanet 140162, MedGen C0027672, MeSH D009386, MONDO:0015356.

Allele frequency attached by ClinVar (database versions not stated): gnomAD exomes below 0.00001; ExAC 0.00001.

Submissions (2):

Ambry Genetics
Classification: Likely benign for Hereditary cancer-predisposing syndrome. Last evaluated: 2026-06-23. Review status: criteria provided, single submitter. Criteria: Ambry Variant Classification Scheme 2023. Collection method: clinical testing. Allele origin: germline.

Labcorp Genetics (formerly Invitae), Labcorp
Classification: Uncertain significance for Familial cancer of breast; Fanconi anemia complementation group J. Last evaluated: 2022-01-23. Review status: criteria provided, single submitter. Criteria: Invitae Variant Classification Sherloc (09022015). Collection method: clinical testing. Allele origin: germline.
Comment: In summary, the available evidence is currently insufficient to determine the role of this variant in disease. Therefore, it has been classified as a Variant of Uncertain Significance. Algorithms developed to predict the effect of missense changes on protein structure and function output the following: SIFT: "Tolerated"; PolyPhen-2: "Benign"; Align-GVGD: "Class C0". The arginine amino acid residue is found in multiple mammalian species, which suggests that this missense change does not adversely affect protein function. This variant has not been reported in the literature in individuals affected with BRIP1-related conditions. This variant is present in population databases (rs748268716, gnomAD 0.0009%). This sequence change replaces lysine, which is basic and polar, with arginine, which is basic and polar, at codon 191 of the BRIP1 protein (p.Lys191Arg).

NM_032043.3(BRIP1):c.572A>G (p.Lys191Arg)

Gene: BRIP1 (BRCA1 interacting DNA helicase 1; minus strand). Cytogenetic location: 17q23.2.
Variant type: single nucleotide variant.
Coding change: c.572A>G on transcript NM_032043.3 (MANE Select); coding-DNA position 572, A replaced by G.
Protein change: p.Lys191Arg; replaces lysine 191 with arginine.
Molecular consequence: missense variant.
Genome position (GRCh38, 1-based): chr17:61,847,156, T>C on the plus strand (A>G on the coding strand, the complement: BRIP1 is on the minus strand). VCF-style: chr17-61847156-T-C. GRCh37 (hg19) VCF-style: chr17-59924517-T-C.
Other names: c.572A>G (NM_032043.2); short protein forms K191R.
Identifiers: ClinVar variation 1512574 (VCV001512574.8), dbSNP rs748268716, ClinGen allele CA8690907.
Genomic context (GRCh38, chr17:61,847,156, plus strand): 5'-CATACTTTCTGTGGCGAAAAGGAGTTTATCTTTTCCAGTGGAGAGTTGAGTTTTACAGTC[T>C]TTCCTGAATCAACTTTTGCATCCAAATTGTGTACTTCTGTTCCAAAGCAATGACGTTTTC-3'
Protein context (NP_114432.2, residues 181-201): HNLDAKVDSG[Lys191Arg]TVKLNSPLEK